The following is an entry in ClinVar:

ClinVar aggregate classification (germline): Conflicting classifications of pathogenicity. Review status: criteria provided, conflicting classifications (1 of 4 stars). 6 submissions from 6 submitters: Uncertain significance (4); Likely benign (2). Last evaluated 2026-07-07.

Conditions:
Hereditary cancer-predisposing syndrome. Also called: Hereditary Cancer Syndrome; Hereditary neoplastic syndrome; Neoplastic Syndromes, Hereditary; Tumor predisposition. Identifiers: Orphanet 140162, MedGen C0027672, MeSH D009386, MONDO:0015356.
Rhabdoid tumor predisposition syndrome 2 (RTPS2). Identifiers: Orphanet 231108, Orphanet 69077, MedGen C2750074, MONDO:0013224, OMIM 613325.
Intellectual disability, autosomal dominant 16 (CSS4). Also called: COFFIN-SIRIS SYNDROME 4. Identifiers: Orphanet 1465, MedGen C3553249, MONDO:0013821, OMIM 614609.

Allele frequency attached by ClinVar (database versions not stated): TOPMed 0.00001; gnomAD exomes 0.00002 and 0.00001; ExAC 0.00002.
gnomAD v4.1: 18 of 1,613,670 alleles (0.0011%); highest among the groups gnomAD compares: Admixed American, 0.0017%; no homozygotes.

Submissions (6):

Myriad Genetics, Inc.
Classification: Likely benign for Rhabdoid tumor predisposition syndrome 2. Last evaluated: 2026-07-07. Review status: criteria provided, single submitter. Criteria: Myriad Autosomal Dominant, Autosomal Recessive and X-Linked Classification Criteria (2023). Collection method: clinical testing. Allele origin: unknown.
Comment: This variant is considered likely benign. This variant has been observed at a population frequency that is significantly greater than expected given the associated disease prevalence and penetrance.

Labcorp Genetics (formerly Invitae), Labcorp
Classification: Uncertain significance for Rhabdoid tumor predisposition syndrome 2. Last evaluated: 2025-12-09. Review status: criteria provided, single submitter. Criteria: Invitae Variant Classification Sherloc (09022015). Collection method: clinical testing. Allele origin: germline.
Comment: This sequence change replaces valine, which is neutral and non-polar, with methionine, which is neutral and non-polar, at codon 684 of the SMARCA4 protein (p.Val684Met). This variant is present in population databases (rs766237791, gnomAD 0.007%). This variant has not been reported in the literature in individuals affected with SMARCA4-related conditions. ClinVar contains an entry for this variant (Variation ID: 470276). An algorithm developed to predict the effect of missense changes on protein structure and function (PolyPhen-2) suggests that this variant is likely to be tolerated. In summary, the available evidence is currently insufficient to determine the role of this variant in disease. Therefore, it has been classified as a Variant of Uncertain Significance.

GeneDx
Classification: Uncertain significance. Last evaluated: 2023-11-07. Review status: criteria provided, single submitter. Criteria: GeneDx Variant Classification Process June 2021. Collection method: clinical testing. Allele origin: germline. Affected: yes.
Comment: In silico analysis supports that this missense variant does not alter protein structure/function; Has not been previously published as pathogenic or benign to our knowledge

Baylor Genetics
Classification: Uncertain significance for Rhabdoid tumor predisposition syndrome 2. Last evaluated: 2023-06-24. Review status: criteria provided, single submitter. Criteria: ACMG Guidelines, 2015. Collection method: clinical testing. Allele origin: unknown.

Ambry Genetics
Classification: Likely benign for Hereditary cancer-predisposing syndrome. Last evaluated: 2022-05-09. Review status: criteria provided, single submitter. Criteria: Ambry Variant Classification Scheme 2023. Collection method: clinical testing. Allele origin: germline.

Genome-Nilou Lab
Classification: Uncertain significance for Intellectual disability, autosomal dominant 16. Last evaluated: 2021-07-15. Review status: criteria provided, single submitter. Criteria: ACMG Guidelines, 2015. Collection method: clinical testing. Allele origin: germline. Affected: no.

NM_003072.5(SMARCA4):c.2050G>A (p.Val684Met)

Gene: SMARCA4 (SWI/SNF related BAF chromatin remodeling complex subunit ATPase 4; plus strand). Cytogenetic location: 19p13.2.
Variant type: single nucleotide variant.
Coding change: c.2050G>A on transcript NM_003072.5 (MANE Select); coding-DNA position 2050, G replaced by A.
Protein change: p.Val684Met; replaces valine 684 with methionine.
Molecular consequence: missense variant. On other transcripts: non-coding transcript variant (1).
Genome position (GRCh38, 1-based): chr19:11,007,950, G>A. VCF-style: chr19-11007950-G-A. GRCh37 (hg19) VCF-style: chr19-11118626-G-A.
Other names: c.2050G>A, p.Val684Met (NM_001128844.3, NM_001128845.2, NM_001128846.2 and 5 more transcripts); short protein forms V684M.
Identifiers: ClinVar variation 470276 (VCV000470276.19), dbSNP rs766237791, ClinGen allele CA9203996.
Genomic context (GRCh38, chr19:11,007,950, plus strand): 5'-GTCTCTTGGTAGGAGGAGGAGGAAGAGCAGCCGCAGGCAGCACAGCCTCCCACCCTGCCC[G>A]TGGAGGAGAAGAAGAAGATTCCAGATCCAGACAGCGATGACGTCTCTGAGGTGGACGCGC-3'
Protein context (NP_003063.2, residues 674-694): PQAAQPPTLP[Val684Met]EEKKKIPDPD